The following is an entry in ClinVar:

NM_004104.5(FASN):c.2328G>C (p.Lys776Asn)

Gene: FASN (fatty acid synthase; minus strand). Cytogenetic location: 17q25.3.
Variant type: single nucleotide variant.
Coding change: c.2328G>C on transcript NM_004104.5 (MANE Select); coding-DNA position 2328, G replaced by C.
Protein change: p.Lys776Asn; replaces lysine 776 with asparagine.
Molecular consequence: missense variant.
Genome position (GRCh38, 1-based): chr17:82,088,853, C>G on the plus strand (G>C on the coding strand, the complement: FASN is on the minus strand). VCF-style: chr17-82088853-C-G. GRCh37 (hg19) VCF-style: chr17-80046729-C-G.
Other names: short protein forms K776N.
Identifiers: ClinVar variation 3704879 (VCV003704879.2).

ClinVar aggregate classification (germline): Uncertain significance (1 of 4 stars; one submission).

Conditions:
Epileptic encephalopathy. Identifiers: MedGen C0543888, HP:0200134.

gnomAD v4.1: 1 of 1,612,568 alleles (0.000062%); no homozygotes.

Submission:

Labcorp Genetics (formerly Invitae), Labcorp
Classification: Uncertain significance for Epileptic encephalopathy. Last evaluated: 2026-01-01. Review status: criteria provided, single submitter. Criteria: Invitae Variant Classification Sherloc (09022015). Collection method: clinical testing. Allele origin: germline.
Comment: This sequence change replaces lysine, which is basic and polar, with asparagine, which is neutral and polar, at codon 776 of the FASN protein (p.Lys776Asn). This variant is not present in population databases (gnomAD no frequency). This variant has not been reported in the literature in individuals affected with FASN-related conditions. ClinVar contains an entry for this variant (Variation ID: 3704879). An algorithm developed to predict the effect of missense changes on protein structure and function (PolyPhen-2) suggests that this variant is likely to be tolerated. In summary, the available evidence is currently insufficient to determine the role of this variant in disease. Therefore, it has been classified as a Variant of Uncertain Significance.